The following is an entry in ClinVar:

NM_001031689.3(PLAA):c.1554A>G (p.Thr518=)

Gene: PLAA (phospholipase A2 activating protein; minus strand). Cytogenetic location: 9p21.2.
Variant type: single nucleotide variant.
Coding change: c.1554A>G on transcript NM_001031689.3 (MANE Select); coding-DNA position 1554, A replaced by G.
Protein change: p.Thr518=; no amino-acid change (threonine 518 retained).
Molecular consequence: synonymous variant.
Genome position (GRCh38, 1-based): chr9:26,913,880, T>C on the plus strand (A>G on the coding strand, the complement: PLAA is on the minus strand). VCF-style: chr9-26913880-T-C. GRCh37 (hg19) VCF-style: chr9-26913878-T-C.
Other names: c.1485A>G, p.Thr495= (NM_001321546.2).
Identifiers: ClinVar variation 3389931 (VCV003389931.14).

ClinVar aggregate classification (germline): Likely benign (1 of 4 stars; one submission).

gnomAD v4.1: 6 of 1,602,076 alleles (0.00037%); highest among the groups gnomAD compares: Non-Finnish European, 0.00043%; no homozygotes.

Submission:

CeGaT Center for Human Genetics Tuebingen
Classification: Likely benign. Last evaluated: 2024-10-01. Review status: criteria provided, single submitter. Criteria: CeGaT Center For Human Genetics Tuebingen Variant Classification Criteria Version 2. Collection method: clinical testing. Allele origin: germline. Affected: yes. Observed: 1 variant allele.
Comment: PLAA: BP4, BP7